The following is an entry in ClinVar:

ClinVar aggregate classification (germline): Uncertain significance (1 of 4 stars; one submission).

Submission:

GeneDx
Classification: Uncertain significance. Last evaluated: 2023-11-03. Review status: criteria provided, single submitter. Criteria: GeneDx Variant Classification Process June 2021. Collection method: clinical testing. Allele origin: germline. Affected: yes.
Comment: Not observed at significant frequency in large population cohorts (gnomAD); In silico analysis supports that this missense variant does not alter protein structure/function; Has not been previously published as pathogenic or benign to our knowledge

NM_014254.3(RXYLT1):c.95G>A (p.Arg32His)

Gene: RXYLT1 (ribitol xylosyltransferase 1; plus strand). Cytogenetic location: 12q14.2.
Variant type: single nucleotide variant.
Coding change: c.95G>A on transcript NM_014254.3 (MANE Select); coding-DNA position 95, G replaced by A.
Protein change: p.Arg32His; replaces arginine 32 with histidine.
Molecular consequence: missense variant. On other transcripts: 5 prime UTR variant (1).
Genome position (GRCh38, 1-based): chr12:63,780,055, G>A. VCF-style: chr12-63780055-G-A. GRCh37 (hg19) VCF-style: chr12-64173835-G-A.
Other names: c.-1019G>A (NM_001278237.2); short protein forms R32H.
Identifiers: ClinVar variation 3363208 (VCV003363208.1).